The following is an entry in ClinVar:

ClinVar aggregate classification (germline): Likely benign (1 of 4 stars; one submission).

Submission:

CeGaT Center for Human Genetics Tuebingen
Classification: Likely benign. Last evaluated: 2025-06-01. Review status: criteria provided, single submitter. Criteria: CeGaT Center For Human Genetics Tuebingen Variant Classification Criteria Version 2. Collection method: clinical testing. Allele origin: germline. Affected: yes. Observed: 1 variant allele.
Comment: BAG5: BP4, BP7

NM_001015048.3(BAG5):c.765T>C (p.Tyr255=)

Gene: BAG5 (BAG cochaperone 5; minus strand). Cytogenetic location: 14q32.33.
Variant type: single nucleotide variant.
Coding change: c.765T>C on transcript NM_001015048.3 (MANE Select); coding-DNA position 765, T replaced by C.
Protein change: p.Tyr255=; no amino-acid change (tyrosine 255 retained).
Molecular consequence: synonymous variant.
Genome position (GRCh38, 1-based): chr14:103,560,400, A>G on the plus strand (T>C on the coding strand, the complement: BAG5 is on the minus strand). VCF-style: chr14-103560400-A-G. GRCh37 (hg19) VCF-style: chr14-104026737-A-G.
Other names: c.765T>C, p.Tyr255= (NM_001015049.5, NM_004873.4).
Identifiers: ClinVar variation 4084748 (VCV004084748.8).